The following is an entry in ClinVar:

ClinVar aggregate classification (germline): Uncertain significance (1 of 4 stars; one submission).

Conditions:
Pierson syndrome. Also called: MICROCORIA-CONGENITAL NEPHROTIC SYNDROME. Identifiers: Orphanet 2670, MedGen C1836876, MONDO:0012184, OMIM 609049.
LAMB2-related infantile-onset nephrotic syndrome. Also called: NEPHROTIC SYNDROME, TYPE 5, WITHOUT OCULAR ABNORMALITIES; NEPHROTIC SYNDROME, TYPE 5, WITH OCULAR ABNORMALITIES; Nephrotic Syndrome, type 5. Identifiers: Orphanet 306507, MedGen C3280113, MONDO:0013621, OMIM 614199.

gnomAD v4.1: 3 of 1,612,864 alleles (0.00019%); highest among the groups gnomAD compares: African/African-American, 0.0027%; no homozygotes.

Submission:

Labcorp Genetics (formerly Invitae), Labcorp
Classification: Uncertain significance for LAMB2-related infantile-onset nephrotic syndrome; Pierson syndrome. Last evaluated: 2022-07-07. Review status: criteria provided, single submitter. Criteria: Invitae Variant Classification Sherloc (09022015). Collection method: clinical testing. Allele origin: germline.
Comment: This sequence change replaces arginine, which is basic and polar, with histidine, which is basic and polar, at codon 1481 of the LAMB2 protein (p.Arg1481His). This variant is not present in population databases (gnomAD no frequency). This variant has not been reported in the literature in individuals affected with LAMB2-related conditions. Algorithms developed to predict the effect of missense changes on protein structure and function are either unavailable or do not agree on the potential impact of this missense change (SIFT: "Deleterious"; PolyPhen-2: "Probably Damaging"; Align-GVGD: "Class C0"). In summary, the available evidence is currently insufficient to determine the role of this variant in disease. Therefore, it has been classified as a Variant of Uncertain Significance.

NM_002292.4(LAMB2):c.4442G>A (p.Arg1481His)

Gene: LAMB2 (laminin subunit beta 2; minus strand). Cytogenetic location: 3p21.31.
Variant type: single nucleotide variant.
Coding change: c.4442G>A on transcript NM_002292.4 (MANE Select); coding-DNA position 4442, G replaced by A.
Protein change: p.Arg1481His; replaces arginine 1481 with histidine.
Molecular consequence: missense variant.
Genome position (GRCh38, 1-based): chr3:49,122,835, C>T on the plus strand (G>A on the coding strand, the complement: LAMB2 is on the minus strand). VCF-style: chr3-49122835-C-T. GRCh37 (hg19) VCF-style: chr3-49160268-C-T.
Other names: short protein forms R1481H.
Identifiers: ClinVar variation 1904293 (VCV001904293.2), dbSNP rs1044659312, ClinGen allele CA74476363.
Genomic context (GRCh38, chr3:49,122,835, plus strand): 5'-GAAGCATTAGCCTTGTCCAGGGCTGCCTGGGCCCGCTGCTGTGCCTCGCTTGCCTGCCGA[C>T]GAGTCTCAGCCACTCTGCTGAGGATGCTACCACCTTCTGCCAGTGCCCGCTGCAGCTCTG-3'
Protein context (NP_002283.3, residues 1471-1491): GSILSRVAET[Arg1481His]RQASEAQQRA